The following is an entry in ClinVar:

NM_000059.4(BRCA2):c.6938-19_6938-17dup

Gene: BRCA2 (BRCA2 DNA repair associated; plus strand). Cytogenetic location: 13q13.1.
Variant type: Duplication.
Coding change: c.6938-19_6938-17dup on transcript NM_000059.4 (MANE Select); 19 bases into the intron before coding-DNA position 6938 through 17 bases into the intron before coding-DNA position 6938, 3 bases duplicated (TAA; older notation c.6938-19_6938-17dupTAA).
Molecular consequence: intron variant.
Genome position (GRCh38, 1-based): chr13:32,346,808-32,346,810, TAA duplicated; duplicating any 3 consecutive bases within chr13:32,346,807-32,346,810 gives the same sequence; the c. name uses the placement nearest the transcript's 3' end. VCF-style (leftmost placement, unchanged base first): chr13-32346806-T-TATA. GRCh37 (hg19) VCF-style: chr13-32920943-T-TATA.
Other names: c.6938-19_6938-17dupTAA (NM_000059.3).
Identifiers: ClinVar variation 928502 (VCV000928502.2), dbSNP rs765850575, ClinGen allele CA6941028.
Genomic context (GRCh38, chr13:32,346,806, plus strand): 5'-CAAATTTTTTGTGTATTTACAGTAACATGGATATTCTCTTAGATTTTAACTAATATGTAA[T>TATA]ATAAAATAATTGTTTCCTAGGCACAATAAAAGATCGAAGATTGTTTATGCATCATGTTTC-3'

ClinVar aggregate classification (germline): Likely benign (1 of 4 stars; one submission).

Submission:

Women's Health and Genetics/Laboratory Corporation of America, LabCorp
Classification: Likely benign. Last evaluated: 2022-07-25. Review status: criteria provided, single submitter. Criteria: LabCorp Variant Classification Summary - May 2015. Collection method: clinical testing. Allele origin: germline.
Comment: Variant summary: BRCA2 c.6938-19_6938-17dupTAA alters a nucleotide located close to a canonical splice site and therefore could affect mRNA splicing, leading to a significantly altered protein sequence. 4/4 computational tools predict no significant impact on normal splicing. However, these predictions have yet to be confirmed by functional studies. The variant allele was found at a frequency of 4.1e-06 in 241390 control chromosomes. The available data on variant occurrences in the general population are insufficient to allow any conclusion about variant significance. To our knowledge, no occurrence of c.6938-19_6938-17dupTAA in individuals affected with Hereditary Breast And Ovarian Cancer Syndrome and no experimental evidence demonstrating its impact on protein function have been reported. At-least two co-occurrences with other pathogenic variant(s) have been observed at our laboratory (BRCA2 c.1929delG, p.Arg645GlufsX15; BRCA2 c.8677C>T, p.Gln2893Ter), providing supporting evidence for a benign role. No clinical diagnostic laboratories have submitted clinical-significance assessments for this variant to ClinVar after 2014. Based on the evidence outlined above, the variant was classified as likely benign.